The following is an entry in ClinVar:

NM_002691.4(POLD1):c.3275A>G (p.Gln1092Arg)

Gene: POLD1 (DNA polymerase delta 1, catalytic subunit; plus strand). Cytogenetic location: 19q13.33.
Variant type: single nucleotide variant.
Coding change: c.3275A>G on transcript NM_002691.4 (MANE Select); coding-DNA position 3275, A replaced by G.
Protein change: p.Gln1092Arg; replaces glutamine 1092 with arginine.
Molecular consequence: missense variant. On other transcripts: non-coding transcript variant (1).
Genome position (GRCh38, 1-based): chr19:50,417,898, A>G. VCF-style: chr19-50417898-A-G. GRCh37 (hg19) VCF-style: chr19-50921155-A-G.
Other names: c.3275A>G (NM_002691.2); c.3275A>G, p.Gln1092Arg (NM_001256849.1); c.3353A>G, p.Gln1118Arg (NM_001308632.1); short protein forms Q1118R, Q1092R.
Identifiers: ClinVar variation 1496109 (VCV001496109.9), dbSNP rs1178367942, ClinGen allele CA406987820.

ClinVar aggregate classification (germline): Conflicting classifications of pathogenicity. Review status: criteria provided, conflicting classifications (1 of 4 stars). 2 submissions from 2 submitters: Uncertain significance (1); Likely benign (1). Last evaluated 2025-04-03.

Conditions:
POLD1-related polyposis and colorectal cancer syndrome (CRCS10). Also called: Colorectal cancer 10; COLORECTAL CANCER, SUSCEPTIBILITY TO, ON CHROMOSOME 19q; Colorectal cancer, susceptibility to, 10. Identifiers: Orphanet 220460, MedGen C2675481, MONDO:0012953, OMIM 612591.
Hereditary cancer-predisposing syndrome. Also called: Neoplastic Syndromes, Hereditary; Tumor predisposition; Hereditary Cancer Syndrome; Hereditary neoplastic syndrome. Identifiers: Orphanet 140162, MedGen C0027672, MeSH D009386, MONDO:0015356.

Allele frequency attached by ClinVar (database versions not stated): gnomAD exomes 0.00001 and below 0.00001.

Submissions (2):

Ambry Genetics
Classification: Likely benign for Hereditary cancer-predisposing syndrome. Last evaluated: 2025-04-03. Review status: criteria provided, single submitter. Criteria: Ambry Variant Classification Scheme 2023. Collection method: clinical testing. Allele origin: germline.

Labcorp Genetics (formerly Invitae), Labcorp
Classification: Uncertain significance for POLD1-related polyposis and colorectal cancer syndrome. Last evaluated: 2024-08-05. Review status: criteria provided, single submitter. Criteria: Invitae Variant Classification Sherloc (09022015). Collection method: clinical testing. Allele origin: germline.
Comment: This sequence change replaces glutamine, which is neutral and polar, with arginine, which is basic and polar, at codon 1092 of the POLD1 protein (p.Gln1092Arg). The frequency data for this variant in the population databases is considered unreliable, as metrics indicate poor data quality at this position in the gnomAD database. This variant has not been reported in the literature in individuals affected with POLD1-related conditions. ClinVar contains an entry for this variant (Variation ID: 1496109). Advanced modeling of protein sequence and biophysical properties (such as structural, functional, and spatial information, amino acid conservation, physicochemical variation, residue mobility, and thermodynamic stability) performed at Invitae indicates that this missense variant is not expected to disrupt POLD1 protein function with a negative predictive value of 80%. In summary, the available evidence is currently insufficient to determine the role of this variant in disease. Therefore, it has been classified as a Variant of Uncertain Significance.